The following is an entry in ClinVar:

NM_205836.3(FBXO38):c.1041del (p.Gln349fs)

Gene: FBXO38 (F-box protein 38; plus strand). Cytogenetic location: 5q32.
Variant type: Deletion.
Coding change: c.1041del on transcript NM_205836.3 (MANE Select); coding-DNA position 1041, one base deleted (T; older notation c.1041delT).
Protein change: p.Gln349fs; shifts the reading frame from glutamine 349.
Molecular consequence: frameshift variant.
Genome position (GRCh38, 1-based): chr5:148,410,713, T deleted; the last of 3 consecutive T bases (chr5:148,410,711-148,410,713); deleting any one gives the same sequence. VCF-style (leftmost placement, unchanged base first): chr5-148410710-GT-G. GRCh37 (hg19) VCF-style: chr5-147790273-GT-G.
Other names: c.1041del, p.Gln349fs (NM_001271723.2, NM_030793.5); short protein forms Q349fs.
Identifiers: ClinVar variation 4983160 (VCV004983160.1).

ClinVar aggregate classification (germline): Uncertain significance (1 of 4 stars; one submission).

Conditions:
FBXO38-related disorder. Also called: FBXO38-related condition.

Submission:

PreventionGenetics, part of Exact Sciences
Classification: Uncertain significance for FBXO38-related condition. Last evaluated: 2025-08-29. Review status: criteria provided, single submitter. Criteria: ACMG Guidelines, 2015. Collection method: clinical testing. Allele origin: germline.
Comment: The FBXO38 c.1041delT variant is predicted to result in a frameshift and premature protein termination (p.Gln349Serfs*7). To our knowledge, this variant has not been reported in the literature or in a large population database (gnomAD), indicating this variant is rare. Loss of function is not an established mechanism of FBXO38-related disease. At this time, the clinical significance of this variant is uncertain due to the absence of conclusive functional and genetic evidence.